The following is an entry in ClinVar:

ClinVar aggregate classification (germline): Uncertain significance (1 of 4 stars; one submission).

Conditions:
Congenital myotonia, autosomal dominant form (THD). Also called: THOMSEN DISEASE; Myotonia congenita autosomal dominant. Identifiers: Orphanet 614, MedGen C2936781, MONDO:0008055, OMIM 160800.
Congenital myotonia, autosomal recessive form. Also called: BECKER DISEASE; Becker Generalized Myotonia; myotonia congenita, autosomal recessive. Identifiers: Orphanet 614, MedGen C0751360, MONDO:0009715, OMIM 255700.

Allele frequency attached by ClinVar (database versions not stated): gnomAD 0.00001.
gnomAD v4.1: 1 of 1,614,078 alleles (0.000062%); highest among the groups gnomAD compares: African/African-American, 0.0013%; no homozygotes.

Submission:

Labcorp Genetics (formerly Invitae), Labcorp
Classification: Uncertain significance for Congenital myotonia, autosomal recessive form; Congenital myotonia, autosomal dominant form. Last evaluated: 2023-03-10. Review status: criteria provided, single submitter. Criteria: Invitae Variant Classification Sherloc (09022015). Collection method: clinical testing. Allele origin: germline.
Comment: This sequence change replaces valine, which is neutral and non-polar, with alanine, which is neutral and non-polar, at codon 315 of the CLCN1 protein (p.Val315Ala). This variant is present in population databases (no rsID available, gnomAD 0.01%). This variant has not been reported in the literature in individuals affected with CLCN1-related conditions. Advanced modeling of protein sequence and biophysical properties (such as structural, functional, and spatial information, amino acid conservation, physicochemical variation, residue mobility, and thermodynamic stability) has been performed at Invitae for this missense variant, however the output from this modeling did not meet the statistical confidence thresholds required to predict the impact of this variant on CLCN1 protein function. In summary, the available evidence is currently insufficient to determine the role of this variant in disease. Therefore, it has been classified as a Variant of Uncertain Significance.

NM_000083.3(CLCN1):c.944T>C (p.Val315Ala)

Gene: CLCN1 (chloride voltage-gated channel 1; plus strand). Cytogenetic location: 7q34.
Variant type: single nucleotide variant.
Coding change: c.944T>C on transcript NM_000083.3 (MANE Select); coding-DNA position 944, T replaced by C.
Protein change: p.Val315Ala; replaces valine 315 with alanine.
Molecular consequence: missense variant. On other transcripts: non-coding transcript variant (1).
Genome position (GRCh38, 1-based): chr7:143,330,862, T>C. VCF-style: chr7-143330862-T-C. GRCh37 (hg19) VCF-style: chr7-143027955-T-C.
Other names: short protein forms V315A.
Identifiers: ClinVar variation 2935193 (VCV002935193.3), dbSNP rs1484247994, ClinGen allele CA369641680.